The following is an entry in ClinVar:

ClinVar aggregate classification (germline): Uncertain significance (1 of 4 stars; one submission).

Submission:

Labcorp Genetics (formerly Invitae), Labcorp
Classification: Uncertain significance. Last evaluated: 2025-10-22. Review status: criteria provided, single submitter. Criteria: Invitae Variant Classification Sherloc (09022015). Collection method: clinical testing. Allele origin: germline.
Comment: This sequence change replaces leucine, which is neutral and non-polar, with proline, which is neutral and non-polar, at codon 260 of the TGFB1 protein (p.Leu260Pro). This variant is not present in population databases (gnomAD no frequency). This variant has not been reported in the literature in individuals affected with TGFB1-related conditions. ClinVar contains an entry for this variant (Variation ID: 1490438). Invitae Evidence Modeling of protein sequence and biophysical properties (such as structural, functional, and spatial information, amino acid conservation, physicochemical variation, residue mobility, and thermodynamic stability) indicates that this missense variant is not expected to disrupt TGFB1 protein function with a negative predictive value of 80%. In summary, the available evidence is currently insufficient to determine the role of this variant in disease. Therefore, it has been classified as a Variant of Uncertain Significance.

NM_000660.7(TGFB1):c.779T>C (p.Leu260Pro)

Gene: TGFB1 (transforming growth factor beta 1; minus strand). Cytogenetic location: 19q13.2.
Variant type: single nucleotide variant.
Coding change: c.779T>C on transcript NM_000660.7 (MANE Select); coding-DNA position 779, T replaced by C.
Protein change: p.Leu260Pro; replaces leucine 260 with proline.
Molecular consequence: missense variant.
Genome position (GRCh38, 1-based): chr19:41,341,964, A>G on the plus strand (T>C on the coding strand, the complement: TGFB1 is on the minus strand). VCF-style: chr19-41341964-A-G. GRCh37 (hg19) VCF-style: chr19-41847869-A-G.
Other names: short protein forms L260P.
Identifiers: ClinVar variation 1490438 (VCV001490438.6), dbSNP rs2123098293, ClinGen allele CA405999470.